The following is an entry in ClinVar:

ClinVar aggregate classification (germline): Conflicting classifications of pathogenicity. Review status: criteria provided, conflicting classifications (1 of 4 stars). 11 submissions from 11 submitters: Uncertain significance (2); Likely benign (7). 2 of the submissions do not count toward it. Last evaluated 2026-07-01.

Conditions:
CFTR-related disorder (CFTR-RD). Also called: CFTR-related condition; CFTR-related disorders. Identifiers: MedGen C5924204, MONDO:7770004.
Cystic fibrosis (CF). Also called: MUCOVISCIDOSIS. Identifiers: Orphanet 586, MedGen C0010674, MONDO:0009061, OMIM 219700. Disease mechanism: loss of function.

Allele frequency attached by ClinVar (database versions not stated): TOPMed 0.00005; gnomAD 0.00006.
gnomAD v4.1: 82 of 1,613,908 alleles (0.0051%); highest among the groups gnomAD compares: Admixed American, 0.08%; 1 homozygote.

Submissions (11):

CeGaT Center for Human Genetics Tuebingen
Classification: Likely benign. Last evaluated: 2026-07-01. Review status: criteria provided, single submitter. Criteria: CeGaT Center For Human Genetics Tuebingen Variant Classification Criteria Version 2. Collection method: clinical testing. Allele origin: germline. Affected: yes. Observed: 1 variant allele.
Comment: CFTR: BP4, BP7

Labcorp Genetics (formerly Invitae), Labcorp
Classification: Likely benign for Cystic fibrosis. Last evaluated: 2026-02-03. Review status: criteria provided, single submitter. Criteria: Invitae Variant Classification Sherloc (09022015). Collection method: clinical testing. Allele origin: germline.

Quest Diagnostics Nichols Institute San Juan Capistrano
Classification: Likely benign. Last evaluated: 2025-05-20. Review status: criteria provided, single submitter. Criteria: Quest Diagnostics criteria. Collection method: clinical testing. Allele origin: unknown.

Blueprint Genetics
Classification: Likely benign. Last evaluated: 2024-03-06. Review status: criteria provided, single submitter. Criteria: ACMG Guidelines, 2015. Collection method: clinical testing. Allele origin: germline.

ARUP Laboratories, Molecular Genetics and Genomics, ARUP Laboratories
Classification: Likely benign. Last evaluated: 2023-07-26. Review status: criteria provided, single submitter. Criteria: ARUP Molecular Germline Variant Investigation Process 2024. Collection method: clinical testing. Allele origin: germline.

Women's Health and Genetics/Laboratory Corporation of America, LabCorp
Classification: Likely benign. Last evaluated: 2019-08-28. Review status: criteria provided, single submitter. Criteria: LabCorp Variant Classification Summary - May 2015. Collection method: clinical testing. Allele origin: germline.

Illumina Laboratory Services, Illumina
Classification: Uncertain significance for CFTR-Related Disorders. Last evaluated: 2018-01-12. Review status: criteria provided, single submitter. Criteria: ICSL Variant Classification Criteria 13 December 2019. Collection method: clinical testing. Allele origin: germline.

Eurofins Ntd Llc (ga)
Classification: Uncertain significance. Last evaluated: 2017-05-23. Review status: criteria provided, single submitter. Criteria: EGL Classification Definitions 2015. Collection method: clinical testing. Allele origin: germline. Observed: 2 variant alleles, 2 heterozygotes.

Ambry Genetics
Classification: Likely benign for Cystic fibrosis. Last evaluated: 2015-02-16. Review status: criteria provided, single submitter. Criteria: Ambry Variant Classification Scheme 2023. Collection method: clinical testing. Allele origin: germline.

PreventionGenetics, part of Exact Sciences
Classification: Likely benign for CFTR-related condition. Last evaluated: 2021-03-19. Review status: no assertion criteria provided. Collection method: clinical testing. Allele origin: germline. Not counted in ClinVar's aggregate classification.
Comment: This variant is classified as likely benign based on ACMG/AMP sequence variant interpretation guidelines (Richards et al. 2015 PMID: 25741868, with internal and published modifications).

Natera, Inc.
Classification: Uncertain significance for Cystic Fibrosis. Last evaluated: 2018-05-07. Review status: no assertion criteria provided. Collection method: clinical testing. Allele origin: germline. Not counted in ClinVar's aggregate classification.

NM_000492.4(CFTR):c.4296C>T (p.Asn1432=)

Genes: CFTR (CF transmembrane conductance regulator; plus strand), LOC111674477 (CFTR intron 23 enhancer; plus strand). Cytogenetic location: 7q31.2.
Variant type: single nucleotide variant.
Coding change: c.4296C>T on transcript NM_000492.4 (MANE Select); coding-DNA position 4296, C replaced by T.
Protein change: p.Asn1432=; no amino-acid change (asparagine 1432 retained).
Molecular consequence: synonymous variant.
Genome position (GRCh38, 1-based): chr7:117,666,961, C>T. VCF-style: chr7-117666961-C-T. GRCh37 (hg19) VCF-style: chr7-117307015-C-T.
Identifiers: ClinVar variation 289600 (VCV000289600.40), dbSNP rs761669740, ClinGen allele CA4451687.